The following is an entry in ClinVar:

NM_024537.4(CARS2):c.1253G>A (p.Arg418Lys)

Gene: CARS2 (cysteinyl-tRNA synthetase 2, mitochondrial; minus strand). Cytogenetic location: 13q34.
Variant type: single nucleotide variant.
Coding change: c.1253G>A on transcript NM_024537.4 (MANE Select); coding-DNA position 1253, G replaced by A.
Protein change: p.Arg418Lys; replaces arginine 418 with lysine.
Molecular consequence: missense variant. On other transcripts: non-coding transcript variant (2).
Genome position (GRCh38, 1-based): chr13:110,646,031, C>T on the plus strand (G>A on the coding strand, the complement: CARS2 is on the minus strand). VCF-style: chr13-110646031-C-T. GRCh37 (hg19) VCF-style: chr13-111298378-C-T.
Other names: c.467G>A, p.Arg156Lys (NM_001352252.2); short protein forms R418K, R156K.
Identifiers: ClinVar variation 1925610 (VCV001925610.5), dbSNP rs2501782266, ClinGen allele CA388743654.

ClinVar aggregate classification (germline): Uncertain significance (1 of 4 stars; one submission).

Conditions:
Combined oxidative phosphorylation defect type 27. Also called: Combined oxidative phosphorylation deficiency 27. Identifiers: Orphanet 477774, MedGen C5567608, MONDO:0014728, OMIM 616672.

Submission:

Labcorp Genetics (formerly Invitae), Labcorp
Classification: Uncertain significance for Combined oxidative phosphorylation defect type 27. Last evaluated: 2022-08-08. Review status: criteria provided, single submitter. Criteria: Invitae Variant Classification Sherloc (09022015). Collection method: clinical testing. Allele origin: germline.
Comment: This sequence change replaces arginine, which is basic and polar, with lysine, which is basic and polar, at codon 418 of the CARS2 protein (p.Arg418Lys). In summary, the available evidence is currently insufficient to determine the role of this variant in disease. Therefore, it has been classified as a Variant of Uncertain Significance. Algorithms developed to predict the effect of missense changes on protein structure and function (SIFT, PolyPhen-2, Align-GVGD) all suggest that this variant is likely to be tolerated. This variant has not been reported in the literature in individuals affected with CARS2-related conditions. This variant is not present in population databases (gnomAD no frequency).